The following is an entry in ClinVar:

ClinVar aggregate classification (germline): Uncertain significance (1 of 4 stars; one submission).

Submission:

Ambry Genetics
Classification: Uncertain significance. Last evaluated: 2022-07-11. Review status: criteria provided, single submitter. Criteria: Ambry Variant Classification Scheme 2023. Collection method: clinical testing. Allele origin: germline.
Comment: The p.L63V variant (also known as c.187C>G), located in coding exon 1 of the TERF2IP gene, results from a C to G substitution at nucleotide position 187. The leucine at codon 63 is replaced by valine, an amino acid with highly similar properties. This amino acid position is conserved. In addition, this alteration is predicted to be tolerated by in silico analysis. Since supporting evidence is limited at this time, the clinical significance of this alteration remains unclear.

NM_018975.4(TERF2IP):c.187C>G (p.Leu63Val)

Gene: TERF2IP (TERF2 interacting protein; plus strand). Cytogenetic location: 16q23.1.
Variant type: single nucleotide variant.
Coding change: c.187C>G on transcript NM_018975.4 (MANE Select); coding-DNA position 187, C replaced by G.
Protein change: p.Leu63Val; replaces leucine 63 with valine.
Molecular consequence: missense variant. On other transcripts: non-coding transcript variant (1).
Genome position (GRCh38, 1-based): chr16:75,648,069, C>G. VCF-style: chr16-75648069-C-G. GRCh37 (hg19) VCF-style: chr16-75681967-C-G.
Other names: short protein forms L63V.
Identifiers: ClinVar variation 1781858 (VCV001781858.2), dbSNP rs2507072894, ClinGen allele CA396817400.